The following is an entry in ClinVar:

NM_001903.5(CTNNA1):c.1514T>C (p.Ile505Thr)

Gene: CTNNA1 (catenin alpha 1; plus strand). Cytogenetic location: 5q31.2.
Variant type: single nucleotide variant.
Coding change: c.1514T>C on transcript NM_001903.5 (MANE Select); coding-DNA position 1514, T replaced by C.
Protein change: p.Ile505Thr; replaces isoleucine 505 with threonine.
Molecular consequence: missense variant.
Genome position (GRCh38, 1-based): chr5:138,917,866, T>C. VCF-style: chr5-138917866-T-C. GRCh37 (hg19) VCF-style: chr5-138253555-T-C.
Other names: c.1514T>C, p.Ile505Thr (NM_001290307.3, NM_001323982.2, NM_001323983.1 and 2 more transcripts); c.1205T>C, p.Ile402Thr (NM_001290309.3); c.1145T>C, p.Ile382Thr (NM_001290310.3); c.404T>C, p.Ile135Thr (NM_001290312.1, NM_001323987.1, NM_001323988.1 and 17 more transcripts); c.1421T>C, p.Ile474Thr (NM_001323986.2); c.65T>C, p.Ile22Thr (NM_001324006.1, NM_001324007.1, NM_001324008.1 and 2 more transcripts); c.311T>C, p.Ile104Thr (NM_001324011.1); c.161T>C, p.Ile54Thr (NM_001324012.1, NM_001324013.1); short protein forms I104T, I135T, I22T, I54T, I382T, I402T, I474T, I505T.
Identifiers: ClinVar variation 648544 (VCV000648544.8), dbSNP rs1580800323, ClinGen allele CA361137359.

ClinVar aggregate classification (germline): Uncertain significance (1 of 4 stars; one submission).

Submission:

Labcorp Genetics (formerly Invitae), Labcorp
Classification: Uncertain significance. Last evaluated: 2022-10-05. Review status: criteria provided, single submitter. Criteria: Invitae Variant Classification Sherloc (09022015). Collection method: clinical testing. Allele origin: germline.
Comment: This sequence change replaces isoleucine, which is neutral and non-polar, with threonine, which is neutral and polar, at codon 505 of the CTNNA1 protein (p.Ile505Thr). This variant is not present in population databases (gnomAD no frequency). This variant has not been reported in the literature in individuals affected with CTNNA1-related conditions. ClinVar contains an entry for this variant (Variation ID: 648544). Advanced modeling of protein sequence and biophysical properties (such as structural, functional, and spatial information, amino acid conservation, physicochemical variation, residue mobility, and thermodynamic stability) performed at Invitae indicates that this missense variant is not expected to disrupt CTNNA1 protein function. In summary, the available evidence is currently insufficient to determine the role of this variant in disease. Therefore, it has been classified as a Variant of Uncertain Significance.